The following is an entry in ClinVar:

ClinVar aggregate classification (germline): Uncertain significance (1 of 4 stars; one submission).

Conditions:
Cardiovascular phenotype. Identifiers: MedGen CN230736.

Submission:

Molecular Diagnostic Laboratory for Inherited Cardiovascular Disease, Montreal Heart Institute
Classification: Uncertain significance for Cardiovascular phenotype. Last evaluated: 2025-04-09. Review status: criteria provided, single submitter. Criteria: ACMG Guidelines, 2015. Collection method: clinical testing. Allele origin: germline. Affected: yes.
Comment: PM2, PP3

NM_000384.3(APOB):c.4802A>C (p.Glu1601Ala)

Gene: APOB (apolipoprotein B; minus strand). Cytogenetic location: 2p24.1.
Variant type: single nucleotide variant.
Coding change: c.4802A>C on transcript NM_000384.3 (MANE Select); coding-DNA position 4802, A replaced by C.
Protein change: p.Glu1601Ala; replaces glutamic acid 1601 with alanine.
Molecular consequence: missense variant.
Genome position (GRCh38, 1-based): chr2:21,012,066, T>G on the plus strand (A>C on the coding strand, the complement: APOB is on the minus strand). VCF-style: chr2-21012066-T-G. GRCh37 (hg19) VCF-style: chr2-21234938-T-G.
Other names: short protein forms E1601A.
Identifiers: ClinVar variation 3895378 (VCV003895378.1).